The following is an entry in ClinVar:

NM_004273.5(CHST3):c.642C>G (p.His214Gln)

Gene: CHST3 (carbohydrate sulfotransferase 3; plus strand). Cytogenetic location: 10q22.1.
Variant type: single nucleotide variant.
Coding change: c.642C>G on transcript NM_004273.5 (MANE Select); coding-DNA position 642, C replaced by G.
Protein change: p.His214Gln; replaces histidine 214 with glutamine.
Molecular consequence: missense variant.
Genome position (GRCh38, 1-based): chr10:72,007,673, C>G. VCF-style: chr10-72007673-C-G. GRCh37 (hg19) VCF-style: chr10-73767431-C-G.
Other names: short protein forms H214Q.
Identifiers: ClinVar variation 3367138 (VCV003367138.1).
Genomic context (GRCh38, chr10:72,007,673, plus strand): 5'-GCTCTTCCTGTGCGACCTGTACGTGCTGGAGCACTTCATCACGCCGCTGCCCGAGGACCA[C>G]CTGACTCAGTTCATGTTCCGCCGGGGCTCCAGCCGCTCCCTGTGCGAGGACCCCGTCTGT-3'
Protein context (NP_004264.2, residues 204-224): EHFITPLPED[His214Gln]LTQFMFRRGS

ClinVar aggregate classification (germline): Uncertain significance (1 of 4 stars; one submission).

Conditions:
Spondyloepiphyseal dysplasia with congenital joint dislocations (SEDCJD). Also called: Chondrodysplasia with Congenital Joint Dislocations, CHST3-Related. Identifiers: Orphanet 263463, MedGen C1837657, MONDO:0007738, OMIM 143095.

Submission:

Neuberg Centre For Genomic Medicine, NCGM
Classification: Uncertain significance for Spondyloepiphyseal dysplasia with congenital joint dislocations. Last evaluated: 2023-05-20. Review status: criteria provided, single submitter. Criteria: ACMG Guidelines, 2015. Collection method: clinical testing. Allele origin: germline. Inheritance: Autosomal recessive inheritance. Affected: yes.
Comment: The observed missense variant c.642C>G(p.His214Gln) in the CHST3 gene has not been reported previously as a pathogenic variant nor as a benign variant, to our knowledge. This variant is absent in the gnomAD Exomes. The amino acid Histidine at position 214 is changed to a Glutamine changing protein sequence and it might alter its composition and physico-chemical properties. Multiple lines of computational evidence (Polyphen - Damaging, SIFT - Damaging and MutationTaster - Disease causing) predict a damaging effect on protein structure and function for this variant. The residue is conserved by GERP++ and PhyloP across 100 vertebrates. For these reasons, this variant has been classified as Uncertain Significance.